The following is an entry in ClinVar:

ClinVar aggregate classification (germline): Pathogenic/Likely pathogenic. Review status: criteria provided, multiple submitters, no conflicts (2 of 4 stars). 3 submissions from 3 submitters: Pathogenic (2); Likely pathogenic (1). Last evaluated 2025-09-12.

Conditions:
HNF1B-related renal cysts and diabetes syndrome.
Renal cysts and diabetes syndrome (RCAD). Also called: MATURITY-ONSET DIABETES OF THE YOUNG, TYPE 5; Familial hypoplastic, glomerulocystic kidney. Identifiers: Orphanet 93111, MedGen C0431693, MONDO:0007669, OMIM 137920.

Submissions (3):

Rady Children's Institute for Genomic Medicine, Rady Children's Hospital San Diego
Classification: Pathogenic for HNF1B-related renal cysts and diabetes syndrome. Last evaluated: 2025-09-12. Review status: criteria provided, single submitter. Criteria: ACMG Guidelines, 2015. Collection method: clinical testing. Allele origin: germline. Affected: yes.
Comment: This nonsense variant found in exon 1 of 9 is predicted to result in loss of normal protein function through either protein truncation or nonsense-mediated mRNA decay. Loss-of-function variation in HNF1B is an established mechanism of disease (PMID: 10720943, 15068978, 9398836). This variant has not been previously reported or functionally characterized in the literature to our knowledge. The c.221T>A (p.Leu74Ter) variant is absent from the latest version of the gnomAD population database and thus is presumed to be rare. Based on parental analysis, this variant likely occurred as a de novo event. Based on the available evidence, c.221T>A (p.Leu74Ter) is classified as Pathogenic.

Institute of Human Genetics, FAU Erlangen, Friedrich-Alexander-Universität Erlangen-Nürnberg
Classification: Pathogenic for Renal cysts and diabetes syndrome. Last evaluated: 2019-07-06. Review status: criteria provided, single submitter. Criteria: ACMG Guidelines, 2015. Collection method: literature only. Allele origin: germline. Affected: yes.
Comment: This variant and it's classification has been reported by Vasileiou et al. 2019; DOI:10.1101/576918. The variants has previously been reported in ClinVar:36845 as "NM_000458.3(HNF1B):c.221T>A (p.Leu74Ter)" with clinical significance Likely pathogenic. It has been re-classified using InterVar and manual curation as Pathogenic based on PVS1 PM2 PP3.

Women's Health and Genetics/Laboratory Corporation of America, LabCorp
Classification: Likely pathogenic for MODY5. Last evaluated: 2011-08-18. Review status: criteria provided, single submitter. Criteria: LabCorp Variant Classification Summary - May 2015. Collection method: curation, clinical testing. Allele origin: germline. Inheritance: autosomal unknown. Affected: yes.
ClinVar note: Converted during submission from likely pathogenic to Likely pathogenic.

Literature cited by the submitters: PubMed 9398836 (cited by Rady Children's Institute for Genomic Medicine, Rady Children's Hospital San Diego); PubMed 10720943 (cited by Rady Children's Institute for Genomic Medicine, Rady Children's Hospital San Diego); PubMed 15068978 (cited by Rady Children's Institute for Genomic Medicine, Rady Children's Hospital San Diego); DOI 10.1101/576918 (cited by Institute of Human Genetics, FAU Erlangen, Friedrich-Alexander-Universität Erlangen-Nürnberg).

NM_000458.4(HNF1B):c.221T>A (p.Leu74Ter)

Gene: HNF1B (HNF1 homeobox B; minus strand). Cytogenetic location: 17q12.
Variant type: single nucleotide variant.
Coding change: c.221T>A on transcript NM_000458.4 (MANE Select); coding-DNA position 221, T replaced by A.
Protein change: p.Leu74Ter; replaces leucine 74 with a stop codon.
Molecular consequence: nonsense.
Genome position (GRCh38, 1-based): chr17:37,744,664, A>T on the plus strand (T>A on the coding strand, the complement: HNF1B is on the minus strand). VCF-style: chr17-37744664-A-T. GRCh37 (hg19) VCF-style: chr17-36104655-A-T.
Other names: c.221T>A, p.Leu74Ter (NM_001165923.4, NM_001304286.2); short protein forms L74*.
Identifiers: ClinVar variation 36845 (VCV000036845.6), dbSNP rs193922486, ClinGen allele CA214355.